The following is an entry in ClinVar:

ClinVar aggregate classification (germline): Conflicting classifications of pathogenicity. Review status: criteria provided, conflicting classifications (1 of 4 stars). 2 submissions from 2 submitters: Uncertain significance (1); Likely benign (1). Last evaluated 2025-04-24.

Conditions:
Hereditary cancer-predisposing syndrome. Also called: Neoplastic Syndromes, Hereditary; Tumor predisposition; Hereditary Cancer Syndrome; Hereditary neoplastic syndrome. Identifiers: Orphanet 140162, MedGen C0027672, MeSH D009386, MONDO:0015356.
Gorlin syndrome. Also called: Nevoid Basal Cell Carcinoma Syndrome; Basal cell nevus syndrome. Identifiers: Orphanet 377, MedGen C0004779, MONDO:0007187.

Submissions (2):

Labcorp Genetics (formerly Invitae), Labcorp
Classification: Uncertain significance for Gorlin syndrome. Last evaluated: 2025-04-24. Review status: criteria provided, single submitter. Criteria: Invitae Variant Classification Sherloc (09022015). Collection method: clinical testing. Allele origin: germline.
Comment: This sequence change replaces asparagine, which is neutral and polar, with lysine, which is basic and polar, at codon 1351 of the PTCH1 protein (p.Asn1351Lys). This variant is not present in population databases (gnomAD no frequency). This variant has not been reported in the literature in individuals affected with PTCH1-related conditions. ClinVar contains an entry for this variant (Variation ID: 566827). Invitae Evidence Modeling of protein sequence and biophysical properties (such as structural, functional, and spatial information, amino acid conservation, physicochemical variation, residue mobility, and thermodynamic stability) indicates that this missense variant is not expected to disrupt PTCH1 protein function with a negative predictive value of 95%. In summary, the available evidence is currently insufficient to determine the role of this variant in disease. Therefore, it has been classified as a Variant of Uncertain Significance.

Ambry Genetics
Classification: Likely benign for Hereditary cancer-predisposing syndrome. Last evaluated: 2024-06-17. Review status: criteria provided, single submitter. Criteria: Ambry Variant Classification Scheme 2023. Collection method: clinical testing. Allele origin: germline.

NM_000264.5(PTCH1):c.4053C>A (p.Asn1351Lys)

Gene: PTCH1 (patched 1; minus strand). Cytogenetic location: 9q22.32.
Variant type: single nucleotide variant.
Coding change: c.4053C>A on transcript NM_000264.5 (MANE Select); coding-DNA position 4053, C replaced by A.
Protein change: p.Asn1351Lys; replaces asparagine 1351 with lysine.
Molecular consequence: missense variant. On other transcripts: non-coding transcript variant (1).
Genome position (GRCh38, 1-based): chr9:95,447,203, G>T on the plus strand (C>A on the coding strand, the complement: PTCH1 is on the minus strand). VCF-style: chr9-95447203-G-T. GRCh37 (hg19) VCF-style: chr9-98209485-G-T.
Other names: c.3855C>A, p.Asn1285Lys (NM_001083602.3); c.4050C>A, p.Asn1350Lys (NM_001083603.3); c.3600C>A, p.Asn1200Lys (NM_001083604.3, NM_001083605.3, NM_001083606.3 and 1 more transcripts); c.3897C>A, p.Asn1299Lys (NM_001354918.2); short protein forms N1285K, N1351K, N1200K, N1299K, N1350K.
Identifiers: ClinVar variation 566827 (VCV000566827.12), dbSNP rs1564005341, ClinGen allele CA374110410.